The following is an entry in ClinVar:

ClinVar aggregate classification (germline): Uncertain significance. Review status: criteria provided, multiple submitters, no conflicts (2 of 4 stars). 2 submissions from 2 submitters: Uncertain significance (2). Last evaluated 2024-11-21.

Conditions:
Autoinflammatory syndrome. Identifiers: Orphanet 93665, MedGen C3890737, MONDO:0019751.
STING-associated vasculopathy with onset in infancy. Also called: Sting-associated vasculopathy, infantile-onset. Identifiers: Orphanet 425120, MedGen C4014722, MONDO:0014405, OMIM 615934.

Allele frequency attached by ClinVar (database versions not stated): TOPMed 0.00002; gnomAD 0.00001; ESP Exome Variant Server 0.00008; ExAC 0.00002.

Submissions (2):

Labcorp Genetics (formerly Invitae), Labcorp
Classification: Uncertain significance for STING-associated vasculopathy with onset in infancy. Last evaluated: 2024-11-21. Review status: criteria provided, single submitter. Criteria: Invitae Variant Classification Sherloc (09022015). Collection method: clinical testing. Allele origin: germline.
Comment: This sequence change falls in intron 7 of the TMEM173 gene. It does not directly change the encoded amino acid sequence of the TMEM173 protein. It affects a nucleotide within the consensus splice site. This variant is present in population databases (rs375560052, gnomAD 0.003%). This variant has not been reported in the literature in individuals affected with TMEM173-related conditions. ClinVar contains an entry for this variant (Variation ID: 969762). Variants that disrupt the consensus splice site are a relatively common cause of aberrant splicing (PMID: 17576681, 9536098). Algorithms developed to predict the effect of sequence changes on RNA splicing suggest that this variant may disrupt the consensus splice site. In summary, the available evidence is currently insufficient to determine the role of this variant in disease. Therefore, it has been classified as a Variant of Uncertain Significance.

Genome Diagnostics Laboratory, The Hospital for Sick Children
Classification: Uncertain significance for Autoinflammatory syndrome. Last evaluated: 2020-08-24. Review status: criteria provided, single submitter. Criteria: ACMG Guidelines, 2015. Collection method: clinical testing. Allele origin: germline. Affected: yes.

Literature cited by the submitters: PubMed 17576681 (cited by Labcorp Genetics (formerly Invitae), Labcorp); PubMed 9536098 (cited by Labcorp Genetics (formerly Invitae), Labcorp).

NM_198282.4(STING1):c.946+1G>T

Gene: STING1 (stimulator of interferon response cGAMP interactor 1; minus strand). Cytogenetic location: 5q31.2.
Variant type: single nucleotide variant.
Coding change: c.946+1G>T on transcript NM_198282.4 (MANE Select); the canonical splice donor site of the intron after coding-DNA position 946, G replaced by T.
Molecular consequence: splice donor variant. On other transcripts: intron variant (1).
Genome position (GRCh38, 1-based): chr5:139,477,328, C>A on the plus strand (G>T on the coding strand, the complement: STING1 is on the minus strand). VCF-style: chr5-139477328-C-A. GRCh37 (hg19) VCF-style: chr5-138856913-C-A.
Other names: c.589+1G>T (NM_001367258.1); c.760-874G>T (NM_001301738.2).
Identifiers: ClinVar variation 969762 (VCV000969762.8), dbSNP rs375560052, ClinGen allele CA3435287.